The following is an entry in ClinVar:

ClinVar aggregate classification (germline): Pathogenic (1 of 4 stars; one submission).

Conditions:
Muscular dystrophy-dystroglycanopathy (congenital with brain and eye anomalies), type a, 11 (MDDGA11). Also called: Congenital muscular dystrophy-dystroglycanopathy with brain and eye anomalies, type A11; WALKER-WARBURG SYNDROME OR MUSCLE-EYE-BRAIN DISEASE, B3GALNT2-RELATED; Muscular dystrophy-dystroglycanopathy (congenital with brain and eye anomalies, type A, 11. Identifiers: Orphanet 588, Orphanet 899, MedGen C3554638, MONDO:0014071, OMIM 615181.

Submission:

Juno Genomics, Hangzhou Juno Genomics, Inc
Classification: Pathogenic for Muscular dystrophy-dystroglycanopathy (congenital with brain and eye anomalies), type a, 11. Review status: criteria provided, single submitter. Criteria: ACMG Guidelines, 2015. Collection method: clinical testing. Allele origin: germline. Affected: yes.
Comment: Absent from controls (or at extremely low frequency if recessive) in Genome Aggregation Database, Exome Sequencing Project, 1000 Genomes Project, or Exome Aggregation Consortium.;Null variant in a gene where loss of function (LOF) is a known mechanism of disease.;For recessive disorders, detected in trans with a pathogenic variant.

NM_152490.5(B3GALNT2):c.48dup (p.Leu17fs)

Gene: B3GALNT2 (beta-1,3-N-acetylgalactosaminyltransferase 2; minus strand). Cytogenetic location: 1q42.3.
Variant type: Duplication.
Coding change: c.48dup on transcript NM_152490.5 (MANE Select); coding-DNA position 48, one base duplicated (G; older notation c.48dupG).
Protein change: p.Leu17fs; shifts the reading frame from leucine 17.
Molecular consequence: frameshift variant.
Genome position (GRCh38, 1-based): chr1:235,504,205, C duplicated on the plus strand (G on the coding strand, the reverse complement: B3GALNT2 is on the minus strand). VCF-style (leftmost placement, unchanged base first): chr1-235504204-G-GC. GRCh37 (hg19) VCF-style: chr1-235667504-G-GC.
Other names: c.48dup, p.Leu17fs (NM_001277155.3); short protein forms L17fs.
Identifiers: ClinVar variation 3899385 (VCV003899385.2).